The following is an entry in ClinVar:

ClinVar aggregate classification (germline): Uncertain significance (1 of 4 stars; one submission).

gnomAD v4.1: 2 of 1,487,162 alleles (0.00013%); highest among the groups gnomAD compares: East Asian, 0.0026%; no homozygotes.

Submission:

Labcorp Genetics (formerly Invitae), Labcorp
Classification: Uncertain significance. Last evaluated: 2021-12-23. Review status: criteria provided, single submitter. Criteria: Invitae Variant Classification Sherloc (09022015). Collection method: clinical testing. Allele origin: germline.
Comment: This sequence change replaces serine, which is neutral and polar, with tyrosine, which is neutral and polar, at codon 3 of the PLOD3 protein (p.Ser3Tyr). This variant is not present in population databases (gnomAD no frequency). This variant has not been reported in the literature in individuals affected with PLOD3-related conditions. Algorithms developed to predict the effect of missense changes on protein structure and function are either unavailable or do not agree on the potential impact of this missense change (SIFT: "Deleterious"; PolyPhen-2: "Not Available"; Align-GVGD: "Class C0"). In summary, the available evidence is currently insufficient to determine the role of this variant in disease. Therefore, it has been classified as a Variant of Uncertain Significance.

NM_001084.5(PLOD3):c.8C>A (p.Ser3Tyr)

Gene: PLOD3 (procollagen-lysine,2-oxoglutarate 5-dioxygenase 3; minus strand). Cytogenetic location: 7q22.1.
Variant type: single nucleotide variant.
Coding change: c.8C>A on transcript NM_001084.5 (MANE Select); coding-DNA position 8, C replaced by A.
Protein change: p.Ser3Tyr; replaces serine 3 with tyrosine.
Molecular consequence: missense variant.
Genome position (GRCh38, 1-based): chr7:101,217,267, G>T on the plus strand (C>A on the coding strand, the complement: PLOD3 is on the minus strand). VCF-style: chr7-101217267-G-T. GRCh37 (hg19) VCF-style: chr7-100860548-G-T.
Other names: short protein forms S3Y.
Identifiers: ClinVar variation 2055062 (VCV002055062.3), dbSNP rs368815896, ClinGen allele CA368628233.
Genomic context (GRCh38, chr7:101,217,267, plus strand): 5'-GAGGCCGCAGGGGGCAGCAGCAGCGGCAGCAGCAGCAGGAACCGGGGTCCAGGCCCCGAG[G>T]AGGTCATGGTGGGGAGCGGGCCCAGACAGCACCCAGGATCCTGGGATCTCCGCTACGCGC-3'
Protein context (NP_001075.1, residues 1-13): MT[Ser3Tyr]SGPGPRFLLL